The following is an entry in ClinVar:

ClinVar aggregate classification (germline): Uncertain significance (1 of 4 stars; one submission).

Allele frequency attached by ClinVar (database versions not stated): gnomAD 0.00001; TOPMed 0.00001; gnomAD exomes 0.00002 and 0.00004; ExAC 0.00006.

Submission:

GeneDx
Classification: Uncertain significance. Last evaluated: 2019-10-15. Review status: criteria provided, single submitter. Criteria: GeneDx Variant Classification Process June 2021. Collection method: clinical testing. Allele origin: germline. Affected: yes.
Comment: In silico analysis, which includes protein predictors and evolutionary conservation, supports that this variant does not alter protein structure/function; Has not been previously published as pathogenic or benign to our knowledge

NM_000354.6(SERPINA7):c.1102C>T (p.Pro368Ser)

Gene: SERPINA7 (serpin family A member 7; minus strand). Cytogenetic location: Xq22.3.
Variant type: single nucleotide variant.
Coding change: c.1102C>T on transcript NM_000354.6 (MANE Select); coding-DNA position 1102, C replaced by T.
Protein change: p.Pro368Ser; replaces proline 368 with serine.
Molecular consequence: missense variant.
Genome position (GRCh38, 1-based): chrX:106,033,646, G>A on the plus strand (C>T on the coding strand, the complement: SERPINA7 is on the minus strand). VCF-style: chrX-106033646-G-A. GRCh37 (hg19) VCF-style: chrX-105277637-G-A.
Other names: short protein forms P368S.
Identifiers: ClinVar variation 1308934 (VCV001308934.2), dbSNP rs778707647, ClinGen allele CA10481648.